The following is an entry in ClinVar:

NM_001379286.1(ZNF423):c.3623G>A (p.Cys1208Tyr)

Gene: ZNF423 (zinc finger protein 423; minus strand). Cytogenetic location: 16q12.1.
Variant type: single nucleotide variant.
Coding change: c.3623G>A on transcript NM_001379286.1 (MANE Select); coding-DNA position 3623, G replaced by A.
Protein change: p.Cys1208Tyr; replaces cysteine 1208 with tyrosine.
Molecular consequence: missense variant.
Genome position (GRCh38, 1-based): chr16:49,525,473, C>T on the plus strand (G>A on the coding strand, the complement: ZNF423 is on the minus strand). VCF-style: chr16-49525473-C-T. GRCh37 (hg19) VCF-style: chr16-49559384-C-T.
Other names: c.3419G>A, p.Cys1140Tyr (NM_001271620.2); c.3248G>A, p.Cys1083Tyr (NM_001330533.2); c.3599G>A, p.Cys1200Tyr (NM_015069.5); short protein forms C1083Y, C1140Y, C1200Y, C1208Y.
Identifiers: ClinVar variation 1406895 (VCV001406895.6), dbSNP rs2151708972, ClinGen allele CA395830504.
Genomic context (GRCh38, chr16:49,525,473, plus strand): 5'-TGCTCAATGAGGTGACAGAGGAGCTTGGCCGGGGAGTCGAACATCTGGTTGCACAGCTTA[C>T]ACTCGTGGTTGATGCCTTCCTCTGCAAGGAAAACCCGTGACCAGTCAGTGACCAGCATGC-3'
Protein context (NP_001366215.1, residues 1198-1218): HMIEEGINHE[Cys1208Tyr]KLCNQMFDSP

ClinVar aggregate classification (germline): Uncertain significance (1 of 4 stars; one submission).

Conditions:
Nephronophthisis 14 (NPHP14). Identifiers: Orphanet 2318, MedGen C3539071, MONDO:0013916, OMIM 614844.

Submission:

Labcorp Genetics (formerly Invitae), Labcorp
Classification: Uncertain significance for Nephronophthisis 14. Last evaluated: 2022-02-10. Review status: criteria provided, single submitter. Criteria: Invitae Variant Classification Sherloc (09022015). Collection method: clinical testing. Allele origin: germline.
Comment: In summary, the available evidence is currently insufficient to determine the role of this variant in disease. Therefore, it has been classified as a Variant of Uncertain Significance. Algorithms developed to predict the effect of missense changes on protein structure and function are either unavailable or do not agree on the potential impact of this missense change (SIFT: "Deleterious"; PolyPhen-2: "Probably Damaging"; Align-GVGD: "Class C0"). This variant has not been reported in the literature in individuals affected with ZNF423-related conditions. This variant is not present in population databases (gnomAD no frequency). This sequence change replaces cysteine, which is neutral and slightly polar, with tyrosine, which is neutral and polar, at codon 1200 of the ZNF423 protein (p.Cys1200Tyr).